The following is an entry in ClinVar:

ClinVar aggregate classification (germline): Likely benign (0 of 4 stars; one submission).

Conditions:
NCOA1-related disorder. Also called: NCOA1-related condition.

Submission:

PreventionGenetics, part of Exact Sciences
Classification: Likely benign for NCOA1-related condition. Last evaluated: 2022-06-28. Review status: no assertion criteria provided. Collection method: clinical testing. Allele origin: germline.
Comment: This variant is classified as likely benign based on ACMG/AMP sequence variant interpretation guidelines (Richards et al. 2015 PMID: 25741868, with internal and published modifications).

NM_003743.5(NCOA1):c.3660A>G (p.Gly1220=)

Gene: NCOA1 (nuclear receptor coactivator 1; plus strand). Cytogenetic location: 2p23.3.
Variant type: single nucleotide variant.
Coding change: c.3660A>G on transcript NM_003743.5 (MANE Select); coding-DNA position 3660, A replaced by G.
Protein change: p.Gly1220=; no amino-acid change (glycine 1220 retained).
Molecular consequence: synonymous variant.
Genome position (GRCh38, 1-based): chr2:24,742,140, A>G. VCF-style: chr2-24742140-A-G. GRCh37 (hg19) VCF-style: chr2-24965009-A-G.
Other names: c.3660A>G, p.Gly1220= (NM_001362950.1, NM_001362952.1, NM_001362954.1 and 3 more transcripts).
Identifiers: ClinVar variation 3354288 (VCV003354288.1).
Genomic context (GRCh38, chr2:24,742,140, plus strand): 5'-CCGCAACAGCATGGTGAGCAGAGGCATGACAGGAAACATAGGAGGACAGTTTGGCACTGG[A>G]ATCAATCCTCAGATGCAGCAGAATGTCTTCCAGTATCCAGGAGCAGGTAGGAAGGTCACA-3'
Protein context (NP_003734.3, residues 1210-1230): TGNIGGQFGT[Gly1220=]INPQMQQNVF